The following is an entry in ClinVar:

NM_001042492.3(NF1):c.3608A>T (p.Asp1203Val)

Gene: NF1 (neurofibromin 1; plus strand). Cytogenetic location: 17q11.2.
Variant type: single nucleotide variant.
Coding change: c.3608A>T on transcript NM_001042492.3 (MANE Select); coding-DNA position 3608, A replaced by T.
Protein change: p.Asp1203Val; replaces aspartic acid 1203 with valine.
Molecular consequence: missense variant.
Genome position (GRCh38, 1-based): chr17:31,233,113, A>T. VCF-style: chr17-31233113-A-T. GRCh37 (hg19) VCF-style: chr17-29560131-A-T.
Other names: c.3608A>T, p.Asp1203Val (NM_000267.4); short protein forms D1203V.
Identifiers: ClinVar variation 2801246 (VCV002801246.3), dbSNP rs2151435587, ClinGen allele CA398990291.

ClinVar aggregate classification (germline): Uncertain significance (1 of 4 stars; one submission).

Conditions:
Neurofibromatosis, type 1 (NF1). Also called: VON RECKLINGHAUSEN DISEASE; Neurofibromatosis, type I; NEUROFIBROMATOSIS, TYPE I, SOMATIC; Peripheral type neurofibromatosis. Identifiers: Orphanet 636, MedGen C0027831, MONDO:0018975, OMIM 162200. Disease mechanism: loss of function.

Submission:

Labcorp Genetics (formerly Invitae), Labcorp
Classification: Uncertain significance for Neurofibromatosis, type 1. Last evaluated: 2024-01-06. Review status: criteria provided, single submitter. Criteria: Invitae Variant Classification Sherloc (09022015). Collection method: clinical testing. Allele origin: germline.
Comment: This sequence change replaces aspartic acid, which is acidic and polar, with valine, which is neutral and non-polar, at codon 1203 of the NF1 protein (p.Asp1203Val). This variant is not present in population databases (gnomAD no frequency). This variant has not been reported in the literature in individuals affected with NF1-related conditions. Advanced modeling of protein sequence and biophysical properties (such as structural, functional, and spatial information, amino acid conservation, physicochemical variation, residue mobility, and thermodynamic stability) performed at Invitae indicates that this missense variant is expected to disrupt NF1 protein function with a positive predictive value of 95%. In summary, the available evidence is currently insufficient to determine the role of this variant in disease. Therefore, it has been classified as a Variant of Uncertain Significance.